The following is an entry in ClinVar:

NM_000458.4(HNF1B):c.1325T>A (p.Met442Lys)

Gene: HNF1B (HNF1 homeobox B; minus strand). Cytogenetic location: 17q12.
Variant type: single nucleotide variant.
Coding change: c.1325T>A on transcript NM_000458.4 (MANE Select); coding-DNA position 1325, T replaced by A.
Protein change: p.Met442Lys; replaces methionine 442 with lysine.
Molecular consequence: missense variant.
Genome position (GRCh38, 1-based): chr17:37,704,931, A>T on the plus strand (T>A on the coding strand, the complement: HNF1B is on the minus strand). VCF-style: chr17-37704931-A-T. GRCh37 (hg19) VCF-style: chr17-36064938-A-T.
Other names: c.1247T>A, p.Met416Lys (NM_001165923.4, NM_001304286.2); c.1325T>A, p.Met442Lys (NM_001411100.1); short protein forms M416K, M442K.
Identifiers: ClinVar variation 3342263 (VCV003342263.1).
Genomic context (GRCh38, chr17:37,704,931, plus strand): 5'-CTTCTTCTCCCTGCCCCCAAGTTTTCCAACCAAGAATAGAACTTACTTTGTGCAATTGCC[A>T]TGACTCCAGAGAGGGGTGTCATGATGAGGTTTTGAGATTGCTGGGGATTATGGTGGGAGA-3'
Protein context (NP_000449.1, residues 432-452): NLIMTPLSGV[Met442Lys]AIAQSLNTSQ

ClinVar aggregate classification (germline): Uncertain significance (1 of 4 stars; one submission).

Conditions:
Renal cysts and diabetes syndrome (RCAD). Also called: MATURITY-ONSET DIABETES OF THE YOUNG, TYPE 5; Familial hypoplastic, glomerulocystic kidney. Identifiers: Orphanet 93111, MedGen C0431693, MONDO:0007669, OMIM 137920.

Submission:

MVZ Medizinische Genetik Mainz
Classification: Uncertain significance for Renal cysts and diabetes syndrome. Last evaluated: 2024-08-30. Review status: criteria provided, single submitter. Criteria: UK Practice Guidelines For Variant Classification V4 01 2020. Collection method: clinical testing. Allele origin: germline. Inheritance: Autosomal dominant inheritance. Affected: yes. Observed: 1 variant allele.
Comment: ACMG Criteria: PP3_MOD,PM2_SUP